The following is an entry in ClinVar:

ClinVar aggregate classification (germline): Uncertain significance. Review status: criteria provided, multiple submitters, no conflicts (2 of 4 stars). 3 submissions from 3 submitters: Uncertain significance (3). Last evaluated 2023-08-28.

Conditions:
Maple syrup urine disease (MSUD). Identifiers: Orphanet 511, MedGen C0024776, MeSH D008375, MONDO:0009563. Disease mechanism: loss of function.

Allele frequency attached by ClinVar (database versions not stated): TOPMed below 0.00001; gnomAD 0.00001; ExAC 0.00002.
gnomAD v4.1: 30 of 1,608,126 alleles (0.0019%); highest among the groups gnomAD compares: Non-Finnish European, 0.0025%; no homozygotes.

Submissions (3):

Women's Health and Genetics/Laboratory Corporation of America, LabCorp
Classification: Uncertain significance. Last evaluated: 2023-08-28. Review status: criteria provided, single submitter. Criteria: LabCorp Variant Classification Summary - May 2015. Collection method: clinical testing. Allele origin: germline.

Genome-Nilou Lab
Classification: Uncertain significance for Maple syrup urine disease type 1A. Last evaluated: 2023-04-11. Review status: criteria provided, single submitter. Criteria: ACMG Guidelines, 2015. Collection method: clinical testing. Allele origin: germline. Affected: no.

Labcorp Genetics (formerly Invitae), Labcorp
Classification: Uncertain significance for Maple syrup urine disease. Last evaluated: 2021-08-31. Review status: criteria provided, single submitter. Criteria: Invitae Variant Classification Sherloc (09022015). Collection method: clinical testing. Allele origin: germline.
Comment: This sequence change replaces glycine with valine at codon 406 of the DBT protein (p.Gly406Val). The glycine residue is highly conserved and there is a moderate physicochemical difference between glycine and valine. This variant is present in population databases (rs767154711, ExAC 0.003%). This variant has not been reported in the literature in individuals affected with DBT-related conditions. Algorithms developed to predict the effect of missense changes on protein structure and function are either unavailable or do not agree on the potential impact of this missense change (SIFT: "Deleterious"; PolyPhen-2: "Probably Damaging"; Align-GVGD: "Class C0"). In summary, the available evidence is currently insufficient to determine the role of this variant in disease. Therefore, it has been classified as a Variant of Uncertain Significance.

NM_001918.5(DBT):c.1217G>T (p.Gly406Val)

Gene: DBT (dihydrolipoamide branched chain transacylase E2; minus strand). Cytogenetic location: 1p21.2.
Variant type: single nucleotide variant.
Coding change: c.1217G>T on transcript NM_001918.5 (MANE Select); coding-DNA position 1217, G replaced by T.
Protein change: p.Gly406Val; replaces glycine 406 with valine.
Molecular consequence: missense variant.
Genome position (GRCh38, 1-based): chr1:100,206,294, C>A on the plus strand (G>T on the coding strand, the complement: DBT is on the minus strand). VCF-style: chr1-100206294-C-A. GRCh37 (hg19) VCF-style: chr1-100671850-C-A.
Other names: short protein forms G406V.
Identifiers: ClinVar variation 570521 (VCV000570521.4), dbSNP rs767154711, ClinGen allele CA969528.
Genomic context (GRCh38, chr1:100,206,294, plus strand): 5'-ATTGATCCAAGGGCCCCAATGGCTACTTCAGGTGGCATTATCACTGGTTTGGCAAAGGTA[C>A]CACCAATCTATTTTTTAAAAAAAAAAAAAGGAGAGTATTAAAAGTTAAGATTTTTCAGGG-3'
Protein context (NP_001909.4, residues 396-416): FTLSNIGSIG[Gly406Val]TFAKPVIMPP